The following is an entry in ClinVar:

NM_000052.7(ATP7A):c.3294+3A>G

Gene: ATP7A (ATPase copper transporting alpha; plus strand). Cytogenetic location: Xq21.1.
Variant type: single nucleotide variant.
Coding change: c.3294+3A>G on transcript NM_000052.7 (MANE Select); 3 bases into the intron after coding-DNA position 3294, A replaced by G.
Molecular consequence: intron variant.
Genome position (GRCh38, 1-based): chrX:78,031,585, A>G. VCF-style: chrX-78031585-A-G. GRCh37 (hg19) VCF-style: chrX-77287083-A-G.
Other names: c.3060+3A>G (NM_001282224.2).
Identifiers: ClinVar variation 3758803 (VCV003758803.2).

ClinVar aggregate classification (germline): Uncertain significance (1 of 4 stars; one submission).

Conditions:
Menkes kinky-hair syndrome (MNK). Also called: Copper transport disease; Menkes Disease; Classic Menkes Disease. Identifiers: Orphanet 565, MedGen C0022716, MONDO:0010651, OMIM 309400.
X-linked distal spinal muscular atrophy type 3. Also called: ATP7A-Related Distal Motor Neuropathy; SPINAL MUSCULAR ATROPHY, DISTAL, X-LINKED RECESSIVE; NEURONOPATHY, DISTAL HEREDITARY MOTOR, X-LINKED; NEUROPATHY, DISTAL HEREDITARY MOTOR, X-LINKED. Identifiers: Orphanet 139557, MedGen C1845359, MONDO:0010338, OMIM 300489.
Cutis laxa, X-linked (OHS). Also called: EDS IX; Occipital horn syndrome. Identifiers: Orphanet 198, MedGen C0268353, MONDO:0010572, OMIM 304150.

Submission:

Labcorp Genetics (formerly Invitae), Labcorp
Classification: Uncertain significance for X-linked distal spinal muscular atrophy type 3; Cutis laxa, X-linked; Menkes kinky-hair syndrome. Last evaluated: 2024-03-20. Review status: criteria provided, single submitter. Criteria: Invitae Variant Classification Sherloc (09022015). Collection method: clinical testing. Allele origin: germline.
Comment: This sequence change falls in intron 16 of the ATP7A gene. It does not directly change the encoded amino acid sequence of the ATP7A protein. It affects a nucleotide within the consensus splice site. This variant is not present in population databases (gnomAD no frequency). This variant has not been reported in the literature in individuals affected with ATP7A-related conditions. Variants that disrupt the consensus splice site are a relatively common cause of aberrant splicing (PMID: 17576681, 9536098). Algorithms developed to predict the effect of sequence changes on RNA splicing suggest that this variant is not likely to affect RNA splicing. In summary, the available evidence is currently insufficient to determine the role of this variant in disease. Therefore, it has been classified as a Variant of Uncertain Significance.

Literature cited by the submitters: PubMed 17576681; PubMed 9536098.